The following is an entry in ClinVar:

NM_000138.5(FBN1):c.5715C>G (p.Cys1905Trp)

Gene: FBN1 (fibrillin 1; minus strand). Cytogenetic location: 15q21.1.
Variant type: single nucleotide variant.
Coding change: c.5715C>G on transcript NM_000138.5 (MANE Select); coding-DNA position 5715, C replaced by G.
Protein change: p.Cys1905Trp; replaces cysteine 1905 with tryptophan.
Molecular consequence: missense variant.
Genome position (GRCh38, 1-based): chr15:48,446,779, G>C on the plus strand (C>G on the coding strand, the complement: FBN1 is on the minus strand). VCF-style: chr15-48446779-G-C. GRCh37 (hg19) VCF-style: chr15-48738976-G-C.
Other names: c.5715C>G, p.Cys1905Trp (NM_001406716.1); short protein forms C1905W.
Identifiers: ClinVar variation 4789644 (VCV004789644.1).

ClinVar aggregate classification (germline): Pathogenic (1 of 4 stars; one submission).

Conditions:
Marfan syndrome (MFS). Also called: FBN1-Related Marfan Syndrome; MARFAN SYNDROME, TYPE I; Marfan syndrome type 1; Marfan's syndrome; Marfan syndrome, classic. Identifiers: Orphanet 284963, Orphanet 558, MedGen C0024796, MONDO:0007947, OMIM 154700.
Familial thoracic aortic aneurysm and aortic dissection (TAAD). Also called: Thoracic aortic aneurysms and dissections. Identifiers: Orphanet 91387, MedGen C4707243, MONDO:0019625.

Submission:

Labcorp Genetics (formerly Invitae), Labcorp
Classification: Pathogenic for Marfan syndrome; Familial thoracic aortic aneurysm and aortic dissection. Last evaluated: 2025-06-03. Review status: criteria provided, single submitter. Criteria: Invitae Variant Classification Sherloc (09022015). Collection method: clinical testing. Allele origin: germline.
Comment: This sequence change replaces cysteine, which is neutral and slightly polar, with tryptophan, which is neutral and slightly polar, at codon 1905 of the FBN1 protein (p.Cys1905Trp). This variant is not present in population databases (gnomAD no frequency). This missense change has been observed in individual(s) with Marfan syndrome (internal data). Invitae Evidence Modeling of protein sequence and biophysical properties (such as structural, functional, and spatial information, amino acid conservation, physicochemical variation, residue mobility, and thermodynamic stability) indicates that this missense variant is expected to disrupt FBN1 protein function with a positive predictive value of 95%. This variant affects a cysteine residue in the EGF-like, TGFBP or hybrid motif domains of FBN1. Cysteine residues are believed to be involved in intramolecular disulfide bridges and have been shown to be important for FBN1 protein structure (PMID: 16905551, 19349279). In addition, missense substitutions affecting cysteine residues within these domains are significantly overrepresented among patients with Marfan syndrome (PMID: 16571647, 17701892). This variant disrupts the p.Cys1905 amino acid residue in FBN1. Other variant(s) that disrupt this residue have been observed in individuals with FBN1-related conditions (PMID: 19293843; internal data), which suggests that this may be a clinically significant amino acid residue. For these reasons, this variant has been classified as Pathogenic.

Literature cited by the submitters: PubMed 16905551; PubMed 19349279; PubMed 16571647; PubMed 17701892; PubMed 19293843.